The following is an entry in ClinVar:

NM_018834.6(MATR3):c.1419G>A (p.Lys473=)

Gene: MATR3 (matrin 3; plus strand). Cytogenetic location: 5q31.2.
Variant type: single nucleotide variant.
Coding change: c.1419G>A on transcript NM_018834.6 (MANE Select); coding-DNA position 1419, G replaced by A.
Protein change: p.Lys473=; no amino-acid change (lysine 473 retained).
Molecular consequence: synonymous variant.
Genome position (GRCh38, 1-based): chr5:139,319,018, G>A. VCF-style: chr5-139319018-G-A. GRCh37 (hg19) VCF-style: chr5-138654707-G-A.
Other names: c.1419G>A, p.Lys473= (NM_001194954.2, NM_001194955.2, NM_001400441.1 and 16 more transcripts); c.555G>A, p.Lys185= (NM_001194956.2); c.405G>A, p.Lys135= (NM_001282278.2, NM_001400460.1, NM_001400462.1 and 5 more transcripts); c.558G>A, p.Lys186= (NM_001400459.1); c.519G>A, p.Lys173= (NM_001400461.1).
Identifiers: ClinVar variation 3032936 (VCV003032936.2), dbSNP rs755083498, ClinGen allele CA3433140.
Genomic context (GRCh38, chr5:139,319,018, plus strand): 5'-TTACACAACCACACCAGCGTTAGTATTTGGCAAGCCAGTGAGAGTTCATTTATCCCAGAA[G>A]TATAAAAGAATAAAGGTAATGTTTATTTTTTTCAAGCTGTATATCAGTTTAACAAATGAT-3'
Protein context (NP_061322.2, residues 463-483): GKPVRVHLSQ[Lys473=]YKRIKKPEGK

ClinVar aggregate classification (germline): Likely benign (0 of 4 stars; one submission).

Conditions:
MATR3-related disorder. Also called: MATR3-related condition.

Allele frequency attached by ClinVar (database versions not stated): TOPMed 0.00001; gnomAD 0.00004; gnomAD exomes 0.00005; ExAC 0.00013.
gnomAD v4.1: 80 of 1,612,960 alleles (0.005%); highest among the groups gnomAD compares: Non-Finnish European, 0.00051%; no homozygotes.

Submission:

PreventionGenetics, part of Exact Sciences
Classification: Likely benign for MATR3-related condition. Last evaluated: 2022-10-03. Review status: no assertion criteria provided. Collection method: clinical testing. Allele origin: germline.
Comment: This variant is classified as likely benign based on ACMG/AMP sequence variant interpretation guidelines (Richards et al. 2015 PMID: 25741868, with internal and published modifications).